The following is an entry in ClinVar:

ClinVar aggregate classification (germline): Likely benign (0 of 4 stars; one submission).

Conditions:
PLXNA4-related disorder. Also called: PLXNA4-related condition.

Submission:

PreventionGenetics, part of Exact Sciences
Classification: Likely benign for PLXNA4-related condition. Last evaluated: 2024-04-18. Review status: no assertion criteria provided. Collection method: clinical testing. Allele origin: germline.
Comment: This variant is classified as likely benign based on ACMG/AMP sequence variant interpretation guidelines (Richards et al. 2015 PMID: 25741868, with internal and published modifications).

NM_020911.2(PLXNA4):c.2396-9C>A

Gene: PLXNA4 (plexin A4; minus strand). Cytogenetic location: 7q32.3.
Variant type: single nucleotide variant.
Coding change: c.2396-9C>A on transcript NM_020911.2 (MANE Select); 9 bases into the intron before coding-DNA position 2396, C replaced by A.
Molecular consequence: intron variant.
Genome position (GRCh38, 1-based): chr7:132,202,845, G>T on the plus strand (C>A on the coding strand, the complement: PLXNA4 is on the minus strand). VCF-style: chr7-132202845-G-T. GRCh37 (hg19) VCF-style: chr7-131887604-G-T.
Other names: c.2396-9C>A (NM_001393897.1).
Identifiers: ClinVar variation 3344489 (VCV003344489.1).